The following is an entry in ClinVar:

ClinVar aggregate classification (germline): Uncertain significance. Review status: criteria provided, multiple submitters, no conflicts (2 of 4 stars). 6 submissions from 6 submitters: Uncertain significance (5). 1 of the submissions does not count toward it. Last evaluated 2025-03-21.

Conditions:
RPGRIP1L-related disorder. Also called: RPGRIP1L-related disorders; RPGRIP1L-related condition. Identifiers: MedGen CN239416.
Inborn genetic diseases. Identifiers: MedGen C0950123, MeSH D030342.
Meckel-Gruber syndrome. Also called: Dysencephalia splachnocystica; DYSENCEPHALIA SPLANCHNOCYSTICA; GRUBER SYNDROME. Identifiers: Orphanet 564, MedGen C0265215, MONDO:0018921.
Joubert syndrome. Also called: JOUBERT-BOLTSHAUSER SYNDROME; Familial aplasia of the vermis. Identifiers: Orphanet 475, MedGen C5979921, MONDO:0018772.

Allele frequency attached by ClinVar (database versions not stated): gnomAD 0.00001; gnomAD exomes 0.00001 and 0.00002; TOPMed 0.00002; ExAC 0.00006.
gnomAD v4.1: 14 of 1,614,030 alleles (0.00087%); highest among the groups gnomAD compares: East Asian, 0.0067%; no homozygotes.

Submissions (6):

PreventionGenetics, part of Exact Sciences
Classification: Uncertain significance for RPGRIP1L-related condition. Last evaluated: 2025-03-21. Review status: criteria provided, single submitter. Criteria: ACMG Guidelines, 2015. Collection method: clinical testing. Allele origin: germline.
Comment: The RPGRIP1L c.3764T>C variant is predicted to result in the amino acid substitution p.Ile1255Thr. This variant was observed in compound heterozygous state with RPGRIP1L loss-of-function variant in a fetus with prenatal findings suggestive of Joubert syndrome (Table 2, Huang et al. 2022. PubMed ID:36468023). This variant is reported in 0.020% of alleles in individuals of East Asian descent in gnomAD. Although we suspect that this variant may be pathogenic, at this time, the clinical significance of this variant is uncertain due to the absence of conclusive functional and genetic evidence.

Ambry Genetics
Classification: Uncertain significance for Inborn genetic diseases. Last evaluated: 2024-10-04. Review status: criteria provided, single submitter. Criteria: Ambry Variant Classification Scheme 2023. Collection method: clinical testing. Allele origin: germline.

Women's Health and Genetics/Laboratory Corporation of America, LabCorp
Classification: Uncertain significance. Last evaluated: 2024-03-22. Review status: criteria provided, single submitter. Criteria: LabCorp Variant Classification Summary - May 2015. Collection method: clinical testing. Allele origin: germline.
Comment: Variant summary: RPGRIP1L c.3764T>C (p.Ile1255Thr) results in a non-conservative amino acid change located in the RPGRIP1, C-terminal domain (IPR041091) of the encoded protein sequence. Four of five in-silico tools predict a damaging effect of the variant on protein function. The variant allele was found at a frequency of 1.6e-05 in 251300 control chromosomes (gnomAD). The available data on variant occurrences in the general population are insufficient to allow any conclusion about variant significance. c.3764T>C has been reported in the literature in a prenatal case affected with features of Joubert Syndrome who was compound heterozygous with a pathogenic variant (Huang_2022). These data do not allow any conclusion about variant significance. To our knowledge, no experimental evidence demonstrating an impact on protein function has been reported. The following publication has been ascertained in the context of this evaluation (PMID: 36468023). ClinVar contains an entry for this variant (Variation ID: 1058807). Based on the evidence outlined above, the variant was classified as uncertain significance.

Labcorp Genetics (formerly Invitae), Labcorp
Classification: Uncertain significance for Joubert syndrome; Meckel-Gruber syndrome. Last evaluated: 2022-04-26. Review status: criteria provided, single submitter. Criteria: Invitae Variant Classification Sherloc (09022015). Collection method: clinical testing. Allele origin: germline.
Comment: This sequence change replaces isoleucine, which is neutral and non-polar, with threonine, which is neutral and polar, at codon 1255 of the RPGRIP1L protein (p.Ile1255Thr). This variant is present in population databases (rs749664648, gnomAD 0.02%). This variant has not been reported in the literature in individuals affected with RPGRIP1L-related conditions. ClinVar contains an entry for this variant (Variation ID: 1058807). Algorithms developed to predict the effect of missense changes on protein structure and function (SIFT, PolyPhen-2, Align-GVGD) all suggest that this variant is likely to be disruptive. In summary, the available evidence is currently insufficient to determine the role of this variant in disease. Therefore, it has been classified as a Variant of Uncertain Significance.

Blueprint Genetics
Classification: Uncertain significance. Last evaluated: 2020-04-09. Review status: criteria provided, single submitter. Criteria: ACMG Guidelines, 2015. Collection method: clinical testing. Allele origin: germline.

Natera, Inc.
Classification: Uncertain significance for Joubert syndrome. Last evaluated: 2020-03-02. Review status: no assertion criteria provided. Collection method: clinical testing. Allele origin: germline. Not counted in ClinVar's aggregate classification.

Literature cited by the submitters: PubMed 36468023 (cited by Women's Health and Genetics/Laboratory Corporation of America, LabCorp).

NM_015272.5(RPGRIP1L):c.3764T>C (p.Ile1255Thr)

Gene: RPGRIP1L (RPGRIP1 like; minus strand). Cytogenetic location: 16q12.2.
Variant type: single nucleotide variant.
Coding change: c.3764T>C on transcript NM_015272.5 (MANE Select); coding-DNA position 3764, T replaced by C.
Protein change: p.Ile1255Thr; replaces isoleucine 1255 with threonine.
Molecular consequence: missense variant.
Genome position (GRCh38, 1-based): chr16:53,605,552, A>G on the plus strand (T>C on the coding strand, the complement: RPGRIP1L is on the minus strand). VCF-style: chr16-53605552-A-G. GRCh37 (hg19) VCF-style: chr16-53639464-A-G.
Other names: c.3764T>C (NM_015272.4, NM_015272.2); c.3524T>C, p.Ile1175Thr (NM_001127897.4); c.3626T>C, p.Ile1209Thr (NM_001308334.3); c.3662T>C, p.Ile1221Thr (NM_001330538.2); short protein forms I1175T, I1209T, I1221T, I1255T.
Identifiers: ClinVar variation 1058807 (VCV001058807.8), dbSNP rs749664648, ClinGen allele CA8057186.